The following is an entry in ClinVar:

NC_000005.10:g.112707418A>G

Gene: APC (APC regulator of Wnt signaling pathway; plus strand). Cytogenetic location: 5q22.2.
Variant type: single nucleotide variant.
Genome position: GRCh38 VCF-style: chr5-112707418-A-G. GRCh37 (hg19) VCF-style: chr5-112043115-A-G.
Identifiers: ClinVar variation 469878 (VCV000469878.13), dbSNP rs372923973, ClinGen allele CA124924645.
Genomic context (GRCh38, chr5:112,707,418, plus strand): 5'-CGGCTGCCTAGGCAGCAATGGCTCACGGGACAGAACAGCGAAGCAGTGCCCGGCAAGCGG[A>G]GCGCAGCACCCATTGCGCCTGCGCATAACAGGCTCTAGTCTCCGGGCTGTGGGAAGCCAG-3'

ClinVar aggregate classification (germline): Likely benign. Review status: criteria provided, multiple submitters, no conflicts (2 of 4 stars). 2 submissions from 2 submitters: Likely benign (2). Last evaluated 2025-12-16.

Conditions:
APC-related disorder. Also called: APC-related condition.
Familial adenomatous polyposis 1 (FAP1). Also called: FAMILIAL ADENOMATOUS POLYPOSIS 1, ATTENUATED; POLYPOSIS, ADENOMATOUS INTESTINAL. Identifiers: MedGen C2713442, MONDO:0021056, OMIM 175100. Disease mechanism: loss of function.

Allele frequency attached by ClinVar (database versions not stated): gnomAD 0.00003.

Submissions (2):

Labcorp Genetics (formerly Invitae), Labcorp
Classification: Likely benign for Familial adenomatous polyposis 1. Last evaluated: 2025-12-16. Review status: criteria provided, single submitter. Criteria: Invitae Variant Classification Sherloc (09022015). Collection method: clinical testing. Allele origin: germline.

PreventionGenetics, part of Exact Sciences
Classification: Likely benign for APC-related condition. Last evaluated: 2025-10-07. Review status: criteria provided, single submitter. Criteria: ACMG Guidelines, 2015. Collection method: clinical testing. Allele origin: germline.
Comment: This variant is classified as likely benign based on ACMG/AMP sequence variant interpretation guidelines (Richards et al. 2015 PMID: 25741868, with internal and published modifications).